The following is an entry in ClinVar:

NM_002894.3(RBBP8):c.1504C>T (p.Arg502Cys)

Gene: RBBP8 (RB binding protein 8, endonuclease; plus strand). Cytogenetic location: 18q11.2.
Variant type: single nucleotide variant.
Coding change: c.1504C>T on transcript NM_002894.3 (MANE Select); coding-DNA position 1504, C replaced by T.
Protein change: p.Arg502Cys; replaces arginine 502 with cysteine.
Molecular consequence: missense variant.
Genome position (GRCh38, 1-based): chr18:22,993,331, C>T. VCF-style: chr18-22993331-C-T. GRCh37 (hg19) VCF-style: chr18-20573294-C-T.
Other names: c.1504C>T, p.Arg502Cys (NM_203291.2, NM_203292.2); c.1504C>T (NM_002894.2); short protein forms R502C.
Identifiers: ClinVar variation 1393378 (VCV001393378.7), dbSNP rs535624031, ClinGen allele CA8910078.

ClinVar aggregate classification (germline): Uncertain significance. Review status: criteria provided, multiple submitters, no conflicts (2 of 4 stars). 2 submissions from 2 submitters: Uncertain significance (2). Last evaluated 2025-06-09.

Conditions:
Inborn genetic diseases. Identifiers: MedGen C0950123, MeSH D030342.

Allele frequency attached by ClinVar (database versions not stated): gnomAD exomes 0.00002 and 0.00004; ExAC 0.00005; gnomAD 0.00010 and 0.00011; TOPMed 0.00010; 1000 Genomes Project 30x 0.00016; 1000 Genomes Project 0.00020.
gnomAD v4.1: 31 of 1,614,170 alleles (0.0019%); highest among the groups gnomAD compares: African/African-American, 0.025%; no homozygotes.

Submissions (2):

Labcorp Genetics (formerly Invitae), Labcorp
Classification: Uncertain significance. Last evaluated: 2025-06-09. Review status: criteria provided, single submitter. Criteria: Invitae Variant Classification Sherloc (09022015). Collection method: clinical testing. Allele origin: germline.
Comment: This sequence change replaces arginine, which is basic and polar, with cysteine, which is neutral and slightly polar, at codon 502 of the RBBP8 protein (p.Arg502Cys). This variant is present in population databases (rs535624031, gnomAD 0.04%). This variant has not been reported in the literature in individuals affected with RBBP8-related conditions. ClinVar contains an entry for this variant (Variation ID: 1393378). Invitae Evidence Modeling of protein sequence and biophysical properties (such as structural, functional, and spatial information, amino acid conservation, physicochemical variation, residue mobility, and thermodynamic stability) indicates that this missense variant is not expected to disrupt RBBP8 protein function with a negative predictive value of 80%. In summary, the available evidence is currently insufficient to determine the role of this variant in disease. Therefore, it has been classified as a Variant of Uncertain Significance.

Ambry Genetics
Classification: Uncertain significance for Inborn genetic diseases. Last evaluated: 2024-09-10. Review status: criteria provided, single submitter. Criteria: Ambry Variant Classification Scheme 2023. Collection method: clinical testing. Allele origin: germline.